The following is an entry in ClinVar:

NM_014629.4(ARHGEF10):c.3110T>C (p.Val1037Ala)

Gene: ARHGEF10 (Rho guanine nucleotide exchange factor 10; plus strand). Cytogenetic location: 8p23.3.
Variant type: single nucleotide variant.
Coding change: c.3110T>C on transcript NM_014629.4 (MANE Select); coding-DNA position 3110, T replaced by C.
Protein change: p.Val1037Ala; replaces valine 1037 with alanine.
Molecular consequence: missense variant.
Genome position (GRCh38, 1-based): chr8:1,933,830, T>C. VCF-style: chr8-1933830-T-C. GRCh37 (hg19) VCF-style: chr8-1881996-T-C.
Other names: c.2996T>C, p.Val999Ala (NM_001308152.2, NM_001438094.1); c.3110T>C, p.Val1037Ala (NM_001308153.3); c.3113T>C, p.Val1038Ala (NM_001438091.1); c.2993T>C, p.Val998Ala (NM_001438092.1, NM_001438093.1); short protein forms V1037A, V1061A, V998A, V1038A, V999A.
Identifiers: ClinVar variation 4746593 (VCV004746593.1).
Genomic context (GRCh38, chr8:1,933,830, plus strand): 5'-CTTGAATGAAATGAAATATTTTCTTTTAAGATGGATCCTGGGATTCAGAACCTCAAAAAG[T>C]GATCAAGTTAGGCGTCCTACCAGTTAGAAGTCTACTCATGATGGAAGACACGTTGTGGGC-3'
Protein context (NP_055444.2, residues 1027-1047): DGSWDSEPQK[Val1037Ala]IKLGVLPVRS

ClinVar aggregate classification (germline): Uncertain significance (1 of 4 stars; one submission).

Submission:

Labcorp Genetics (formerly Invitae), Labcorp
Classification: Uncertain significance. Last evaluated: 2025-10-17. Review status: criteria provided, single submitter. Criteria: Invitae Variant Classification Sherloc (09022015). Collection method: clinical testing. Allele origin: germline.
Comment: This sequence change replaces valine, which is neutral and non-polar, with alanine, which is neutral and non-polar, at codon 1037 of the ARHGEF10 protein (p.Val1037Ala). This variant is not present in population databases (gnomAD no frequency). This variant has not been reported in the literature in individuals affected with ARHGEF10-related conditions. Invitae Evidence Modeling of protein sequence and biophysical properties (such as structural, functional, and spatial information, amino acid conservation, physicochemical variation, residue mobility, and thermodynamic stability) indicates that this missense variant is not expected to disrupt ARHGEF10 protein function with a negative predictive value of 80%. In summary, the available evidence is currently insufficient to determine the role of this variant in disease. Therefore, it has been classified as a Variant of Uncertain Significance.